The following is an entry in ClinVar:

NM_152296.5(ATP1A3):c.823G>C (p.Ala275Pro)

Gene: ATP1A3 (ATPase Na+/K+ transporting subunit alpha 3; minus strand). Cytogenetic location: 19q13.2.
Variant type: single nucleotide variant.
Coding change: c.823G>C on transcript NM_152296.5 (MANE Select); coding-DNA position 823, G replaced by C.
Protein change: p.Ala275Pro; replaces alanine 275 with proline.
Molecular consequence: missense variant.
Genome position (GRCh38, 1-based): chr19:41,985,088, C>G on the plus strand (G>C on the coding strand, the complement: ATP1A3 is on the minus strand). VCF-style: chr19-41985088-C-G. GRCh37 (hg19) VCF-style: chr19-42489240-C-G.
Other names: c.823G>C (NM_152296.3); c.856G>C, p.Ala286Pro (NM_001256213.2); c.862G>C, p.Ala288Pro (NM_001256214.2); short protein forms A275P, A286P, A288P.
Identifiers: ClinVar variation 3342716 (VCV003342716.2).

ClinVar aggregate classification (germline): Likely pathogenic. Review status: criteria provided, multiple submitters, no conflicts (2 of 4 stars). 2 submissions from 2 submitters: Likely pathogenic (2). Last evaluated 2025-12-11.

Conditions:
Inborn genetic diseases. Identifiers: MedGen C0950123, MeSH D030342.

Submissions (2):

Ambry Genetics
Classification: Likely pathogenic for Inborn genetic diseases. Last evaluated: 2025-12-11. Review status: criteria provided, single submitter. Criteria: Ambry Variant Classification Scheme 2023. Collection method: clinical testing. Allele origin: germline.
Comment: The c.823G>C (p.A275P) alteration is located in exon 8 (coding exon 8) of the ATP1A3 gene. This alteration results from a G to C substitution at nucleotide position 823, causing the alanine (A) at amino acid position 275 to be replaced by a proline (P). This variant was not reported in population-based cohorts in the Genome Aggregation Database (gnomAD). This amino acid position is highly conserved in available vertebrate species. This missense alteration is located in a region that has a low rate of benign missense variation (Lek, 2016; Firth, 2009). This alteration is predicted to be deleterious by in silico analysis. Based on the available evidence, this alteration is classified as likely pathogenic.

GeneDx
Classification: Likely pathogenic. Last evaluated: 2023-07-20. Review status: criteria provided, single submitter. Criteria: GeneDx Variant Classification Process June 2021. Collection method: clinical testing. Allele origin: germline. Affected: yes.
Comment: Not observed at significant frequency in large population cohorts (gnomAD); In silico analysis supports that this missense variant has a deleterious effect on protein structure/function; This variant is associated with the following publications: (PMID: 34783933)